The following is an entry in ClinVar:

ClinVar aggregate classification (germline): Uncertain significance. Review status: criteria provided, multiple submitters, no conflicts (2 of 4 stars). 3 submissions from 3 submitters: Uncertain significance (2). 1 of the submissions does not count toward it. Last evaluated 2017-03-30.

Conditions:
Autosomal recessive limb-girdle muscular dystrophy type 2J (LGMDR10). Also called: Limb-girdle muscular dystrophy, type 2J; MUSCULAR DYSTROPHY, LIMB-GIRDLE, AUTOSOMAL RECESSIVE 10. Identifiers: Orphanet 140922, MedGen C1837342, MONDO:0012127, OMIM 608807.
Dilated cardiomyopathy 1G (CMD1G). Identifiers: Orphanet 154, MedGen C1858763, MONDO:0011400, OMIM 604145.
TTN-related disorder. Also called: TTN-related condition; TTN-related disease; TTN-related disorders.

Allele frequency attached by ClinVar (database versions not stated): gnomAD 0.00001; gnomAD exomes 0.00001 and 0.00002; TOPMed 0.00001; ExAC 0.00003.
gnomAD v4.1: 24 of 1,613,104 alleles (0.0015%); highest among the groups gnomAD compares: Non-Finnish European, 0.0017%; no homozygotes.

Submissions (3):

Labcorp Genetics (formerly Invitae), Labcorp
Classification: Uncertain significance for Dilated cardiomyopathy 1G; Autosomal recessive limb-girdle muscular dystrophy type 2J. Last evaluated: 2017-03-30. Review status: criteria provided, single submitter. Criteria: Invitae Variant Classification Sherloc (09022015). Collection method: clinical testing. Allele origin: germline.

Laboratory for Molecular Medicine, Mass General Brigham Personalized Medicine
Classification: Uncertain significance. Last evaluated: 2015-05-28. Review status: criteria provided, single submitter. Criteria: LMM Criteria. Collection method: clinical testing. Allele origin: germline. Observed: 1 variant allele.
Comment: The p.Gly19159Ser variant in TTN has not been previously reported in individuals with cardiomyopathy but has been indentified in 2/11482 Latino chromosomes by t he Exome Aggregation Consortium (ExAC). Computat ional prediction tools and conservation analysis suggest that the variant may im pact the protein, though this information is not predictive enough to determine pathogenicity. In summary, the clinical significance of the p.Gly19159Ser varian t is uncertain.

PreventionGenetics, part of Exact Sciences
Classification: Uncertain significance for TTN-related condition. Last evaluated: 2024-08-08. Review status: no assertion criteria provided. Collection method: clinical testing. Allele origin: germline. Not counted in ClinVar's aggregate classification.
Comment: The TTN c.65179G>A variant is predicted to result in the amino acid substitution p.Gly21727Ser. To our knowledge, this variant has not been reported in the literature. This variant is reported in 0.0033% of alleles in individuals of South Asian descent in gnomAD. At this time, the clinical significance of this variant is uncertain due to the absence of conclusive functional and genetic evidence.

NM_001267550.2(TTN):c.65179G>A (p.Gly21727Ser)

Genes: TTN-AS1 (TTN antisense RNA 1; plus strand), TTN (titin; minus strand). Cytogenetic location: 2q31.2.
Variant type: single nucleotide variant.
Coding change: c.65179G>A on transcript NM_001267550.2 (MANE Select); coding-DNA position 65179, G replaced by A.
Protein change: p.Gly21727Ser; replaces glycine 21727 with serine.
Molecular consequence: missense variant.
Genome position (GRCh38, 1-based): chr2:178,584,372, C>T on the plus strand (G>A on the coding strand, the complement: TTN is on the minus strand). VCF-style: chr2-178584372-C-T. GRCh37 (hg19) VCF-style: chr2-179449099-C-T.
Other names: c.57475G>A, p.Gly19159Ser (NM_133378.4); c.60256G>A, p.Gly20086Ser (NM_001256850.1); c.37984G>A, p.Gly12662Ser (NM_003319.4); c.38359G>A, p.Gly12787Ser (NM_133432.3); c.38560G>A, p.Gly12854Ser (NM_133437.4); short protein forms G19159S, G21727S, G12662S, G12787S, G12854S, G20086S.
Identifiers: ClinVar variation 229489 (VCV000229489.9), dbSNP rs756099303, ClinGen allele CA1991763.